The following is an entry in ClinVar:

NM_016239.4(MYO15A):c.2781del (p.Ser928fs)

Gene: MYO15A (myosin XVA; plus strand). Cytogenetic location: 17p11.2.
Variant type: Deletion.
Coding change: c.2781del on transcript NM_016239.4 (MANE Select); coding-DNA position 2781, one base deleted (C; older notation c.2781delC).
Protein change: p.Ser928fs; shifts the reading frame from serine 928.
Molecular consequence: frameshift variant.
Genome position (GRCh38, 1-based): chr17:18,121,581, C deleted; the last of 5 consecutive C bases (chr17:18,121,577-18,121,581); deleting any one gives the same sequence. VCF-style (leftmost placement, unchanged base first): chr17-18121576-GC-G. GRCh37 (hg19) VCF-style: chr17-18024890-GC-G.
Other names: short protein forms S928fs.
Identifiers: ClinVar variation 2735813 (VCV002735813.1), dbSNP rs2545189905, ClinGen allele CA2636440331.
Genomic context (GRCh38, chr17:18,121,576, plus strand): 5'-CACCGGGAGAGCCCGCGAGAACCCGAGGACTCAGAGACGCCCTGGACTGTGCCCCCACTG[GC>G]CCCCAGCTGGGACGTGGACATGCCTCCCACCCAACGCCCACCCTCCCCCTGGCCAGGAGG-3'

ClinVar aggregate classification (germline): Pathogenic (1 of 4 stars; one submission).

Submission:

Labcorp Genetics (formerly Invitae), Labcorp
Classification: Pathogenic. Last evaluated: 2023-07-03. Review status: criteria provided, single submitter. Criteria: Invitae Variant Classification Sherloc (09022015). Collection method: clinical testing. Allele origin: germline.
Comment: This sequence change creates a premature translational stop signal (p.Ser928Alafs*58) in the MYO15A gene. It is expected to result in an absent or disrupted protein product. Loss-of-function variants in MYO15A are known to be pathogenic (PMID: 17546645). This variant is not present in population databases (gnomAD no frequency). This variant has not been reported in the literature in individuals affected with MYO15A-related conditions. For these reasons, this variant has been classified as Pathogenic.

Literature cited by the submitters: PubMed 17546645.